The following is an entry in ClinVar:

ClinVar aggregate classification (germline): Uncertain significance. Review status: criteria provided, multiple submitters, no conflicts (2 of 4 stars). 2 submissions from 2 submitters: Uncertain significance (2). Last evaluated 2025-08-27.

Conditions:
Hereditary cancer-predisposing syndrome. Also called: Tumor predisposition; Hereditary Cancer Syndrome; Hereditary neoplastic syndrome; Neoplastic Syndromes, Hereditary. Identifiers: Orphanet 140162, MedGen C0027672, MeSH D009386, MONDO:0015356.
Familial adenomatous polyposis 2. Also called: COLORECTAL ADENOMATOUS POLYPOSIS, AUTOSOMAL RECESSIVE; ADENOMAS, MULTIPLE COLORECTAL, AUTOSOMAL RECESSIVE; MYH-associated polyposis; MUTYH-associated polyposis; MUTYH-related attenuated familial adenomatous polyposis; MUTYH Polyposis. Identifiers: Orphanet 220460, Orphanet 247798, MedGen C3272841, MONDO:0012041, OMIM 608456.

Submissions (2):

Ambry Genetics
Classification: Uncertain significance for Hereditary cancer-predisposing syndrome. Last evaluated: 2025-08-27. Review status: criteria provided, single submitter. Criteria: Ambry Variant Classification Scheme 2023. Collection method: clinical testing. Allele origin: germline.
Comment: The p.T464A variant (also known as c.1390A>G), located in coding exon 14 of the MUTYH gene, results from an A to G substitution at nucleotide position 1390. The threonine at codon 464 is replaced by alanine, an amino acid with similar properties. This amino acid position is conserved. In addition, this alteration is predicted to be tolerated by in silico analysis. Based on the available evidence, the clinical significance of this variant remains unclear.

All of Us Research Program, National Institutes of Health
Classification: Uncertain significance for Familial adenomatous polyposis 2. Last evaluated: 2023-08-15. Review status: criteria provided, single submitter. Criteria: ACMG Guidelines, 2015. Collection method: clinical testing. Allele origin: germline. Inheritance: Autosomal recessive inheritance. Observed: 1 variant allele, 1 heterozygote.
Comment: This study involves interpretation of variants in research participants for the purpose of population health screening. Participant phenotype was not available at the time of variant classification. Additional details can be found in publication PMID: 35346344, PMCID: PMC8962531

NM_001048174.2(MUTYH):c.1306A>G (p.Thr436Ala)

Gene: MUTYH (mutY DNA glycosylase; minus strand). Cytogenetic location: 1p34.1.
Variant type: single nucleotide variant.
Coding change: c.1306A>G on transcript NM_001048174.2 (MANE Select); coding-DNA position 1306, A replaced by G.
Protein change: p.Thr436Ala; replaces threonine 436 with alanine.
Molecular consequence: missense variant. On other transcripts: non-coding transcript variant (7).
Genome position (GRCh38, 1-based): chr1:45,331,268, T>C on the plus strand (A>G on the coding strand, the complement: MUTYH is on the minus strand). VCF-style: chr1-45331268-T-C. GRCh37 (hg19) VCF-style: chr1-45796940-T-C.
Other names: c.1306A>G, p.Thr436Ala (NM_001048171.2, NM_001048173.2, NM_001293195.2 and 6 more transcripts); c.1309A>G, p.Thr437Ala (NM_001048172.2, NM_001407086.1, NM_001407071.1 and 1 more transcripts); c.1390A>G, p.Thr464Ala (NM_001128425.2); c.1351A>G, p.Thr451Ala (NM_001293190.2); c.1339A>G, p.Thr447Ala (NM_001293191.2, NM_001407069.1, NM_001407077.1); c.1030A>G, p.Thr344Ala (NM_001293192.2, NM_001293196.2, NM_001407091.1); c.961A>G, p.Thr321Ala (NM_001350650.2, NM_001350651.2, NM_001407082.1); c.1348A>G, p.Thr450Ala (NM_001407083.1, NM_001407085.1); and 5 more; short protein forms T321A, T344A, T408A, T422A, T423A, T436A, T437A, T443A.
Identifiers: ClinVar variation 3072543 (VCV003072543.2), dbSNP rs1570365580, ClinGen allele CA340132668.